The following is an entry in ClinVar:

ClinVar aggregate classification (germline): Uncertain significance (1 of 4 stars; one submission).

Submission:

Ambry Genetics
Classification: Uncertain significance. Last evaluated: 2024-12-27. Review status: criteria provided, single submitter. Criteria: Ambry Variant Classification Scheme 2023. Collection method: clinical testing. Allele origin: germline.
Comment: The c.3727-5C>T intronic variant results from a C to T substitution 5 nucleotides upstream from coding exon 34 in the KIF1B gene. This nucleotide position is poorly conserved in available vertebrate species. In silico splice site analysis predicts that this alteration will not have any significant effect on splicing. The evidence for this gene-disease relationship is limited; therefore, the clinical significance of this alteration is unclear.

NM_001365951.3(KIF1B):c.3865-5C>T

Gene: KIF1B (kinesin family member 1B; plus strand). Cytogenetic location: 1p36.22.
Variant type: single nucleotide variant.
Coding change: c.3865-5C>T on transcript NM_001365951.3 (MANE Select); 5 bases into the intron before coding-DNA position 3865, C replaced by T.
Molecular consequence: intron variant.
Genome position (GRCh38, 1-based): chr1:10,348,644, C>T. VCF-style: chr1-10348644-C-T. GRCh37 (hg19) VCF-style: chr1-10408702-C-T.
Other names: c.3727-5C>T (NM_015074.3); c.3865-5C>T (NM_001365952.1).
Identifiers: ClinVar variation 3864017 (VCV003864017.1).